The following is an entry in ClinVar:

ClinVar aggregate classification (germline): Uncertain significance. Review status: criteria provided, multiple submitters, no conflicts (2 of 4 stars). 3 submissions from 3 submitters: Uncertain significance (3). Last evaluated 2025-12-09.

Conditions:
Paroxysmal nonkinesigenic dyskinesia. Also called: Paroxysmal non-kinesigenic dyskinesia. Identifiers: Orphanet 98810, MedGen C1869117, MONDO:0700088.

Submissions (3):

Labcorp Genetics (formerly Invitae), Labcorp
Classification: Uncertain significance for Paroxysmal nonkinesigenic dyskinesia. Last evaluated: 2025-12-09. Review status: criteria provided, single submitter. Criteria: Invitae Variant Classification Sherloc (09022015). Collection method: clinical testing. Allele origin: germline.
Comment: This variant results in the deletion of part of exon 4 (c.458_465+1del) of the PNKD gene. It is expected to disrupt RNA splicing. Variants that disrupt the donor or acceptor splice site typically lead to a loss of protein function (PMID: 16199547), however the current clinical and genetic evidence is not sufficient to establish whether loss-of-function variants in PNKD cause disease. This variant is present in population databases (no rsID available, gnomAD 0.002%). This variant has not been reported in the literature in individuals affected with PNKD-related conditions. This variant is also known as c.457_465del. ClinVar contains an entry for this variant (Variation ID: 1339760). Experimental studies and prediction algorithms are not available or were not evaluated, and the functional significance of this variant is currently unknown. In summary, the available evidence is currently insufficient to determine the role of this variant in disease. Therefore, it has been classified as a Variant of Uncertain Significance.

Women's Health and Genetics/Laboratory Corporation of America, LabCorp
Classification: Uncertain significance. Last evaluated: 2022-01-04. Review status: criteria provided, single submitter. Criteria: LabCorp Variant Classification Summary - May 2015. Collection method: clinical testing. Allele origin: germline.
Comment: Variant summary: PNKD c.458_465+1delCTGTGCAGG spans the canonical splice-site and is predicted to affect mRNA splicing resulting in a significantly altered protein due to either exon skipping, shortening, or inclusion of intronic material. Several computational tools predict a significant impact on normal splicing: Four predict the variant abolishes the canonical 5' splicing donor site. Four predict the variant creates an alternate upstream 5' splice donor site. However, these predictions have yet to be confirmed by functional studies. The variant allele was found at a frequency of 1.2e-05 in 250638 control chromosomes. The available data on variant occurrences in the general population are insufficient to allow any conclusion about variant significance. To our knowledge, no occurrence of c.458_465+1delCTGTGCAGG in individuals affected with Paroxysmal Nonkinesigenic Dyskinesia 1 and no experimental evidence demonstrating its impact on protein function have been reported. No clinical diagnostic laboratories have submitted clinical-significance assessments for this variant to ClinVar after 2014. Based on the evidence outlined above, the variant was classified as uncertain significance.

Blueprint Genetics
Classification: Uncertain significance. Last evaluated: 2017-11-29. Review status: criteria provided, single submitter. Criteria: ACMG Guidelines, 2015. Collection method: clinical testing. Allele origin: germline.

Literature cited by the submitters: PubMed 16199547 (cited by Labcorp Genetics (formerly Invitae), Labcorp).

NM_015488.5(PNKD):c.458_465+1del

Genes: CATIP-AS2 (CATIP antisense RNA 2; minus strand), PNKD (PNKD metallo-beta-lactamase domain containing; plus strand). Cytogenetic location: 2q35.
Variant type: Deletion.
Coding change: c.458_465+1del on transcript NM_015488.5 (MANE Select); coding-DNA position 458 through the canonical splice donor site of the intron after coding-DNA position 465, 9 bases deleted (CTGTGCAGG; older notation c.458_465+1delCTGTGCAGG).
Molecular consequence: splice donor variant.
Genome position (GRCh38, 1-based): chr2:218,340,134-218,340,142, CTGTGCAGG deleted; deleting any 9 consecutive bases within chr2:218,340,132-218,340,142 gives the same sequence; the c. name uses the placement nearest the transcript's 3' end. VCF-style (leftmost placement, unchanged base first): chr2-218340131-GGGCTGTGCA-G. GRCh37 (hg19) VCF-style: chr2-219204854-GGGCTGTGCA-G.
Other names: c.386_393+1del (NM_022572.4).
Identifiers: ClinVar variation 1339760 (VCV001339760.3), dbSNP rs1464135710, ClinGen allele CA539839228.